The following is an entry in ClinVar:

ClinVar aggregate classification (germline): Likely benign (1 of 4 stars; one submission).

Allele frequency attached by ClinVar (database versions not stated): TOPMed below 0.00001; gnomAD 0.00001.

Submission:

CeGaT Center for Human Genetics Tuebingen
Classification: Likely benign. Last evaluated: 2022-06-01. Review status: criteria provided, single submitter. Criteria: CeGaT Center For Human Genetics Tuebingen Variant Classification Criteria Version 2. Collection method: clinical testing. Allele origin: germline. Affected: yes. Observed: 1 variant allele.
Comment: CACNA1A: BP4, BP7

NC_000019.10:g.13599842C>A

Gene: CACNA1A (calcium voltage-gated channel subunit alpha1 A; minus strand). Cytogenetic location: 19p13.13.
Variant type: single nucleotide variant.
Genome position: GRCh38 VCF-style: chr19-13599842-C-A. GRCh37 (hg19) VCF-style: chr19-13710656-C-A.
Identifiers: ClinVar variation 2649396 (VCV002649396.24), dbSNP rs1984933625, ClinGen allele CA993726514.